The following is an entry in ClinVar:

ClinVar aggregate classification (germline): Uncertain significance (1 of 4 stars; one submission).

Conditions:
Hereditary cancer-predisposing syndrome. Also called: Tumor predisposition; Hereditary neoplastic syndrome; Neoplastic Syndromes, Hereditary; Hereditary Cancer Syndrome. Identifiers: Orphanet 140162, MedGen C0027672, MeSH D009386, MONDO:0015356.

Submission:

Ambry Genetics
Classification: Uncertain significance for Hereditary cancer-predisposing syndrome. Last evaluated: 2025-04-02. Review status: criteria provided, single submitter. Criteria: Ambry Variant Classification Scheme 2023. Collection method: clinical testing. Allele origin: germline.
Comment: The c.2387_2388delGC variant, located in coding exon 20 of the EGFR gene, results from a deletion of two nucleotides at nucleotide positions 2387 to 2388, causing a translational frameshift with a predicted alternate stop codon (p.G796Vfs*100). This alteration is expected to result in loss of function by premature protein truncation or nonsense-mediated mRNA decay. Based on the supporting evidence, this alteration is pathogenic for EGFR-related neonatal inflammatory skin and bowel disease; however, the association of this alteration with EGFR-related lung cancer is unknown.

NM_005228.5(EGFR):c.2387_2388del (p.Gly796fs)

Genes: EGFR (epidermal growth factor receptor; plus strand), EGFR-AS1 (EGFR antisense RNA 1; minus strand). Cytogenetic location: 7p11.2.
Variant type: Deletion.
Coding change: c.2387_2388del on transcript NM_005228.5 (MANE Select); coding-DNA positions 2387 to 2388, 2 bases deleted (GC; older notation c.2387_2388delGC).
Protein change: p.Gly796fs; shifts the reading frame from glycine 796.
Molecular consequence: frameshift variant. On other transcripts: non-coding transcript variant (1).
Genome position (GRCh38, 1-based): chr7:55,181,396-55,181,397, GC deleted. VCF-style (leftmost placement, unchanged base first): chr7-55181395-GGC-G. GRCh37 (hg19) VCF-style: chr7-55249088-GGC-G.
Other names: c.2252_2253del, p.Gly751fs (NM_001346897.2, NM_001346899.2); c.2387_2388del, p.Gly796fs (NM_001346898.2); c.2228_2229del, p.Gly743fs (NM_001346900.2); c.1586_1587del, p.Gly529fs (NM_001346941.2); short protein forms G743fs, G796fs, G529fs, G751fs.
Identifiers: ClinVar variation 4016688 (VCV004016688.1).
Genomic context (GRCh38, chr7:55,181,395, plus strand): 5'-CGCCTGCTGGGCATCTGCCTCACCTCCACCGTGCAGCTCATCACGCAGCTCATGCCCTTC[GGC>G]TGCCTCCTGGACTATGTCCGGGAACACAAAGACAATATTGGCTCCCAGTACCTGCTCAAC-3'